The following is an entry in ClinVar:

NM_032217.5(ANKRD17):c.910C>T (p.Pro304Ser)

Gene: ANKRD17 (ankyrin repeat domain 17; minus strand). Cytogenetic location: 4q13.3.
Variant type: single nucleotide variant.
Coding change: c.910C>T on transcript NM_032217.5 (MANE Select); coding-DNA position 910, C replaced by T.
Protein change: p.Pro304Ser; replaces proline 304 with serine.
Molecular consequence: missense variant.
Genome position (GRCh38, 1-based): chr4:73,155,721, G>A on the plus strand (C>T on the coding strand, the complement: ANKRD17 is on the minus strand). VCF-style: chr4-73155721-G-A. GRCh37 (hg19) VCF-style: chr4-74021438-G-A.
Other names: c.571C>T, p.Pro191Ser (NM_001286771.3); c.910C>T, p.Pro304Ser (NM_015574.2, NM_198889.3); short protein forms P191S, P304S.
Identifiers: ClinVar variation 1683995 (VCV001683995.2), dbSNP rs775597541, ClinGen allele CA2959043.
Genomic context (GRCh38, chr4:73,155,721, plus strand): 5'-TATGAGCTAGCAGCAACTTCACAATTTTGACATGTCCTCCATTAGCAGCAGCCATTAAAG[G>A]TGTAATGTCACCTTTGATTCCCCTATCTTCCACATTTGCATGCATTGCCAACAAAACCTT-3'
Protein context (NP_115593.3, residues 294-314): EDRGIKGDIT[Pro304Ser]LMAAANGGHV

ClinVar aggregate classification (germline): Uncertain significance (1 of 4 stars; one submission).

Allele frequency attached by ClinVar (database versions not stated): gnomAD exomes below 0.00001; ExAC 0.00001.

Submission:

GeneDx
Classification: Uncertain significance. Last evaluated: 2021-11-09. Review status: criteria provided, single submitter. Criteria: GeneDx Variant Classification Process June 2021. Collection method: clinical testing. Allele origin: germline. Affected: yes.
Comment: Not observed at significant frequency in large population cohorts (gnomAD); In silico analysis supports that this missense variant has a deleterious effect on protein structure/function; Has not been previously published as pathogenic or benign to our knowledge